The following is an entry in ClinVar:

NM_001367823.1(ARHGEF18):c.1655T>C (p.Val552Ala)

Gene: ARHGEF18 (Rho/Rac guanine nucleotide exchange factor 18; plus strand). Cytogenetic location: 19p13.2.
Variant type: single nucleotide variant.
Coding change: c.1655T>C on transcript NM_001367823.1 (MANE Select); coding-DNA position 1655, T replaced by C.
Protein change: p.Val552Ala; replaces valine 552 with alanine.
Molecular consequence: missense variant.
Genome position (GRCh38, 1-based): chr19:7,447,086, T>C. VCF-style: chr19-7447086-T-C. GRCh37 (hg19) VCF-style: chr19-7511972-T-C.
Other names: c.929T>C, p.Val310Ala (NM_001130955.2); c.617T>C, p.Val206Ala (NM_001367824.1, NM_015318.4); short protein forms V552A, V206A, V310A.
Identifiers: ClinVar variation 1040084 (VCV001040084.6), dbSNP rs750666574, ClinGen allele CA9136543.

ClinVar aggregate classification (germline): Uncertain significance (1 of 4 stars; one submission).

Allele frequency attached by ClinVar (database versions not stated): gnomAD exomes below 0.00001 and 0.00001; TOPMed below 0.00001; ExAC 0.00001; gnomAD 0.00001.
gnomAD v4.1: 3 of 1,613,774 alleles (0.00019%); highest among the groups gnomAD compares: Admixed American, 0.0033%; no homozygotes.

Submission:

Labcorp Genetics (formerly Invitae), Labcorp
Classification: Uncertain significance. Last evaluated: 2021-11-17. Review status: criteria provided, single submitter. Criteria: Invitae Variant Classification Sherloc (09022015). Collection method: clinical testing. Allele origin: germline.
Comment: In summary, the available evidence is currently insufficient to determine the role of this variant in disease. Therefore, it has been classified as a Variant of Uncertain Significance. This sequence change replaces valine, which is neutral and non-polar, with alanine, which is neutral and non-polar, at codon 364 of the ARHGEF18 protein (p.Val364Ala). This variant is present in population databases (rs750666574, gnomAD 0.006%). This variant has not been reported in the literature in individuals affected with ARHGEF18-related conditions. ClinVar contains an entry for this variant (Variation ID: 1040084). Algorithms developed to predict the effect of missense changes on protein structure and function are either unavailable or do not agree on the potential impact of this missense change (SIFT: "Deleterious"; PolyPhen-2: "Possibly Damaging"; Align-GVGD: "Class C0").